The following is an entry in ClinVar:

ClinVar aggregate classification (germline): Uncertain significance (1 of 4 stars; one submission).

Conditions:
Gamma-aminobutyric acid transaminase deficiency (GABATD). Also called: GABA aminotransaminase deficiency; GABA transaminase deficiency; Gamma aminobutyrate transaminase deficiency; 4 alpha aminobutyrate transaminase deficiency. Identifiers: Orphanet 2066, MedGen C0342708, MONDO:0013166, OMIM 613163.

Allele frequency attached by ClinVar (database versions not stated): TOPMed 0.00001.

Submission:

Labcorp Genetics (formerly Invitae), Labcorp
Classification: Uncertain significance for Gamma-aminobutyric acid transaminase deficiency. Last evaluated: 2022-10-31. Review status: criteria provided, single submitter. Criteria: Invitae Variant Classification Sherloc (09022015). Collection method: clinical testing. Allele origin: germline.
Comment: ClinVar contains an entry for this variant (Variation ID: 646722). In summary, the available evidence is currently insufficient to determine the role of this variant in disease. Therefore, it has been classified as a Variant of Uncertain Significance. Algorithms developed to predict the effect of missense changes on protein structure and function (SIFT, PolyPhen-2, Align-GVGD) all suggest that this variant is likely to be disruptive. This variant has not been reported in the literature in individuals affected with ABAT-related conditions. This variant is not present in population databases (gnomAD no frequency). This sequence change replaces isoleucine, which is neutral and non-polar, with threonine, which is neutral and polar, at codon 105 of the ABAT protein (p.Ile105Thr).

NM_020686.6(ABAT):c.314T>C (p.Ile105Thr)

Gene: ABAT (4-aminobutyrate aminotransferase; plus strand). Cytogenetic location: 16p13.2.
Variant type: single nucleotide variant.
Coding change: c.314T>C on transcript NM_020686.6 (MANE Select); coding-DNA position 314, T replaced by C.
Protein change: p.Ile105Thr; replaces isoleucine 105 with threonine.
Molecular consequence: missense variant. On other transcripts: intron variant (1).
Genome position (GRCh38, 1-based): chr16:8,750,537, T>C. VCF-style: chr16-8750537-T-C. GRCh37 (hg19) VCF-style: chr16-8844394-T-C.
Other names: c.314T>C, p.Ile105Thr (NM_000663.5, NM_001127448.2, NM_001386600.1 and 11 more transcripts); c.179T>C, p.Ile60Thr (NM_001386610.1, NM_001386611.1, NM_001386612.1 and 1 more transcripts); c.71-7220T>C (NM_001386614.1); short protein forms I105T, I60T.
Identifiers: ClinVar variation 646722 (VCV000646722.7), dbSNP rs1596454443, ClinGen allele CA394687993.